The following is an entry in ClinVar:

ClinVar aggregate classification (germline): Uncertain significance. Review status: criteria provided, multiple submitters, no conflicts (2 of 4 stars). 5 submissions from 5 submitters: Uncertain significance (5). Last evaluated 2026-01-30.

Conditions:
Age related macular degeneration 9. Identifiers: MedGen C1969651, MONDO:0012659, OMIM 611378.
Complement component 3 deficiency. Identifiers: Orphanet 280133, MedGen C3151071, MONDO:0013417, OMIM 613779.
Atypical hemolytic-uremic syndrome with C3 anomaly. Also called: AHUS, SUSCEPTIBILITY TO, 5. Identifiers: Orphanet 2134, MedGen C2752037, MONDO:0013043, OMIM 612925.

Allele frequency attached by ClinVar (database versions not stated): gnomAD exomes 0.00001 and 0.00003; ExAC 0.00002; gnomAD 0.00009; TOPMed 0.00011; 1000 Genomes Project 30x 0.00016; 1000 Genomes Project 0.00020.
gnomAD v4.1: 33 of 1,613,266 alleles (0.002%); highest among the groups gnomAD compares: African/African-American, 0.039%; no homozygotes.

Submissions (5):

Women's Health and Genetics/Laboratory Corporation of America, LabCorp
Classification: Uncertain significance. Last evaluated: 2026-01-30. Review status: criteria provided, single submitter. Criteria: LabCorp Variant Classification Summary - May 2015. Collection method: clinical testing. Allele origin: germline.
Comment: Variant summary: C3 c.664T>A (p.Phe222Ile) results in a non-conservative amino acid change in the encoded protein sequence. Algorithms developed to predict the effect of missense changes on protein structure and function all suggest that this variant is likely to be disruptive. The variant allele was found at a frequency of 3.2e-05 in 251294 control chromosomes. The available data on variant occurrences in the general population are insufficient to allow any conclusion about variant significance. c.664T>A has been observed in an individual affected with paroxysmal nocturnal hemoglobinuria (Prata_2023). This report does not provide unequivocal conclusions about association of the variant with Complement component 3 deficiency. To our knowledge, no experimental evidence demonstrating an impact on protein function has been reported. The following publication has been ascertained in the context of this evaluation (PMID: 36626252). ClinVar contains an entry for this variant (Variation ID: 1362671). Based on the evidence outlined above, the variant was classified as uncertain significance.

Clinical Genomics Laboratory, Washington University in St. Louis
Classification: Uncertain significance for Atypical hemolytic-uremic syndrome with C3 anomaly; Age related macular degeneration 9; Complement component 3 deficiency. Last evaluated: 2025-12-12. Review status: criteria provided, single submitter. Criteria: ACMG Guidelines, 2015. Collection method: clinical testing. Allele origin: germline.
Comment: A C3 c.664T>A (p.Phe222Ile) variant was identified in a heterozygous state. This variant, to our knowledge, has not been reported in the medical literature. It has been reported in the ClinVar database as a germline variant of uncertain significance by two submitters (Variation ID: 1362671). This variant is observed on 14/282,500 alleles in the general population (gnomAD v2.1.1). Computational predictors indicate that the variant is damaging, evidence that correlates with impact to C3 function. Due to limited information, and based on ACMG/AMP guidelines for variant interpretation (Richards S et al., PMID: 25741868), the clinical significance of this variant is uncertain at this time.

Labcorp Genetics (formerly Invitae), Labcorp
Classification: Uncertain significance. Last evaluated: 2025-02-09. Review status: criteria provided, single submitter. Criteria: Invitae Variant Classification Sherloc (09022015). Collection method: clinical testing. Allele origin: germline.
Comment: This sequence change replaces phenylalanine, which is neutral and non-polar, with isoleucine, which is neutral and non-polar, at codon 222 of the C3 protein (p.Phe222Ile). This variant is present in population databases (rs537531577, gnomAD 0.05%). This variant has not been reported in the literature in individuals affected with C3-related conditions. ClinVar contains an entry for this variant (Variation ID: 1362671). Invitae Evidence Modeling of protein sequence and biophysical properties (such as structural, functional, and spatial information, amino acid conservation, physicochemical variation, residue mobility, and thermodynamic stability) indicates that this missense variant is expected to disrupt C3 protein function with a positive predictive value of 80%. In summary, the available evidence is currently insufficient to determine the role of this variant in disease. Therefore, it has been classified as a Variant of Uncertain Significance.

Mayo Clinic Laboratories, Mayo Clinic
Classification: Uncertain significance. Last evaluated: 2023-06-19. Review status: criteria provided, single submitter. Criteria: ACMG Guidelines, 2015. Collection method: clinical testing. Allele origin: germline. Observed: 1 variant allele.
Comment: PP3

Blueprint Genetics
Classification: Uncertain significance. Last evaluated: 2020-10-30. Review status: criteria provided, single submitter. Criteria: ACMG Guidelines, 2015. Collection method: clinical testing. Allele origin: germline.

Literature cited by the submitters: PubMed 36626252 (cited by Women's Health and Genetics/Laboratory Corporation of America, LabCorp); uncertain (cited by Clinical Genomics Laboratory, Washington University in St. Louis).

NM_000064.4(C3):c.664T>A (p.Phe222Ile)

Gene: C3 (complement C3; minus strand). Cytogenetic location: 19p13.3.
Variant type: single nucleotide variant.
Coding change: c.664T>A on transcript NM_000064.4 (MANE Select); coding-DNA position 664, T replaced by A.
Protein change: p.Phe222Ile; replaces phenylalanine 222 with isoleucine.
Molecular consequence: missense variant.
Genome position (GRCh38, 1-based): chr19:6,714,184, A>T on the plus strand (T>A on the coding strand, the complement: C3 is on the minus strand). VCF-style: chr19-6714184-A-T. GRCh37 (hg19) VCF-style: chr19-6714195-A-T.
Other names: p.Phe222Ile; short protein forms F222I.
Identifiers: ClinVar variation 1362671 (VCV001362671.11), dbSNP rs537531577, ClinGen allele CA9129739.